The following is an entry in ClinVar:

NM_000540.3(RYR1):c.5398C>T (p.Pro1800Ser)

Gene: RYR1 (ryanodine receptor 1; plus strand). Cytogenetic location: 19q13.2.
Variant type: single nucleotide variant.
Coding change: c.5398C>T on transcript NM_000540.3 (MANE Select); coding-DNA position 5398, C replaced by T.
Protein change: p.Pro1800Ser; replaces proline 1800 with serine.
Molecular consequence: missense variant.
Genome position (GRCh38, 1-based): chr19:38,486,053, C>T. VCF-style: chr19-38486053-C-T. GRCh37 (hg19) VCF-style: chr19-38976693-C-T.
Other names: c.5398C>T, p.Pro1800Ser (NM_001042723.2); short protein forms P1800S.
Identifiers: ClinVar variation 1328158 (VCV001328158.4), dbSNP rs2145544772, ClinGen allele CA405655025.
Genomic context (GRCh38, chr19:38,486,053, plus strand): 5'-CCCTGTTTCGTGGCCGCTCTGCCAGCTGCTGGGGCAGCAGAGGCCCCGGCCCGCCTCAGC[C>T]CTGCCATCCCGCTGGAGGCCCTGCGGGACAAGGCACTGAGGATGCTGGGGGAGGCGGTGC-3'
Protein context (NP_000531.2, residues 1790-1810): GAAEAPARLS[Pro1800Ser]AIPLEALRDK

ClinVar aggregate classification (germline): Uncertain significance (1 of 4 stars; one submission).

Conditions:
RYR1-related disorder. Also called: RYR1-related condition; RYR1-related disorders. Identifiers: MedGen CN239331.

Submission:

Illumina Laboratory Services, Illumina
Classification: Uncertain significance for RYR1-related disorder. Last evaluated: 2021-09-12. Review status: criteria provided, single submitter. Criteria: ICSLVariantClassificationCriteria RUGD 01 April 2020. Collection method: clinical testing. Allele origin: unknown.
Comment: The RYR1 c.5398C>T (p.Pro1800Ser) variant is a missense variant. A literature search was performed for the gene, cDNA change, and amino acid change. No publications were found based on this search. This variant is not found in the Genome Aggregation Database version 2.1.1 or version 3.1.1 and is in a region of good sequence coverage, so the variant is presumed to be rare. The p.Pro1800Ser variant occurs at a conserved residue in the junctional solenoid (Jsol) domain and in silico tools predict a damaging consequence, however this has not been verified experimentally (Meissner et al. 2017; Todd et al. 2018). Based on the available evidence, the p.Pro1800Ser variant is classified as a variant of uncertain significance for RYR1-related disorders.

Literature cited by the submitters: PubMed 29122978; PubMed 30155738.